The following is an entry in ClinVar:

ClinVar aggregate classification (germline): Likely benign (1 of 4 stars; one submission).

Conditions:
Familial cancer of breast. Also called: hereditary breast carcinoma; BREAST CANCER, FAMILIAL; Hereditary breast cancer. Identifiers: Orphanet 227535, MedGen C0346153, MONDO:0016419, OMIM 114480. Disease mechanism: loss of function.

Submission:

Myriad Genetics, Inc.
Classification: Likely benign for Familial cancer of breast. Last evaluated: 2024-06-13. Review status: criteria provided, single submitter. Criteria: Myriad Autosomal Dominant, Autosomal Recessive and X-Linked Classification Criteria (2023). Collection method: clinical testing. Allele origin: unknown.
Comment: This variant is considered likely benign. This variant is intronic and is not expected to impact mRNA splicing.

NM_000051.4(ATM):c.7307+9del

Genes: ATM (ATM serine/threonine kinase; plus strand), C11orf65 (chromosome 11 open reading frame 65; minus strand). Cytogenetic location: 11q22.3.
Variant type: Deletion.
Coding change: c.7307+9del on transcript NM_000051.4 (MANE Select); 9 bases into the intron after coding-DNA position 7307, one base deleted (G; older notation c.7307+9delG).
Molecular consequence: intron variant.
Genome position (GRCh38, 1-based): chr11:108,329,247, G deleted; the last of 2 consecutive G bases (chr11:108,329,246-108,329,247); deleting either gives the same sequence. VCF-style (leftmost placement, unchanged base first): chr11-108329245-AG-A. GRCh37 (hg19) VCF-style: chr11-108199972-AG-A.
Other names: c.7307+9del (NM_001351834.2); c.641-20175del (NM_001330368.2); c.*38+5974del (NM_001351110.2).
Identifiers: ClinVar variation 3254358 (VCV003254358.1), dbSNP rs2547251514.